The following is an entry in ClinVar:

ClinVar aggregate classification (germline): Pathogenic (0 of 4 stars; one submission).

Conditions:
Endometrial carcinoma. Also called: Endometrial carcinoma, somatic. Identifiers: MedGen C0476089, MONDO:0002447, OMIM 608089, HP:0012114.

Submission:

Department of Pathology and Laboratory Medicine, Sinai Health System
Classification: Pathogenic for Endometrial carcinoma. Review status: no assertion criteria provided. Collection method: clinical testing. Allele origin: unknown. Affected: yes. Study: The Canadian Open Genetics Repository (COGR).
Comment: The c.538-41_538-40insATTCCTATAATA variant was not identified in the literature nor was identified in the GeneInsight, HGMD, COSMIC, Mut, MMR, InSiGHT Colon Cancer and ClinVar databases. No information is provided for evolutionary conservation of the residue and computational pathogenicity prediction of the variant. The variant is predicted to cause an in-frame insertion, which alters the proteinâ€šÃ„Ã´s amino acid sequence beginning at and it is uncertain if it will cause a splicing change. In summary, based on the above information this variant meets our laboratory's criteria to be classified as PATHOGENIC.

NM_000535.7(PMS2):c.538-41_538-40insATTCCTATAATA

Gene: PMS2 (PMS1 homolog 2, mismatch repair system component; minus strand). Cytogenetic location: 7p22.1.
Variant type: Insertion.
Coding change: c.538-41_538-40insATTCCTATAATA on transcript NM_000535.7 (MANE Select); 41 bases into the intron before coding-DNA position 538 through 40 bases into the intron before coding-DNA position 538, ATTCCTATAATA inserted.
Molecular consequence: intron variant.
Genome position: GRCh38 VCF-style: chr7-5999315-A-ATATTATAGGAAT. GRCh37 (hg19) VCF-style: chr7-6038946-A-ATATTATAGGAAT.
Other names: c.220-41_220-40insATTCCTATAATA (NM_001322008.2, NM_001322007.2); c.133-41_133-40insATTCCTATAATA (NM_001322010.2, NM_001322004.2, NM_001322003.2 and 2 more transcripts); c.133-1893_133-1892insATTCCTATAATA (NM_001322013.2); c.-347-90_-347-89insATTCCTATAATA (NM_001322012.2, NM_001322011.2); c.229-41_229-40insATTCCTATAATA (NM_001322015.2); c.538-41_538-40insATTCCTATAATA (NM_001322006.2, NM_001322014.2).
Identifiers: ClinVar variation 1050621 (VCV001050621.1), dbSNP rs2128802890, ClinGen allele CA2499218977.